The following is an entry in ClinVar:

ClinVar aggregate classification (germline): Uncertain significance. Review status: criteria provided, multiple submitters, no conflicts (2 of 4 stars). 2 submissions from 2 submitters: Uncertain significance (2). Last evaluated 2023-05-03.

Conditions:
Primary ciliary dyskinesia. Also called: Ciliary dyskinesia. Identifiers: Orphanet 244, MedGen C0008780, MONDO:0016575, HP:0012265.

Allele frequency attached by ClinVar (database versions not stated): gnomAD 0.00001; TOPMed 0.00001; 1000 Genomes Project 30x 0.00016.
gnomAD v4.1: 6 of 1,113,080 alleles (0.00054%); highest among the groups gnomAD compares: East Asian, 0.031%; no homozygotes.

Submissions (2):

Ambry Genetics
Classification: Uncertain significance for Primary ciliary dyskinesia. Last evaluated: 2023-05-03. Review status: criteria provided, single submitter. Criteria: Ambry Variant Classification Scheme 2023. Collection method: clinical testing. Allele origin: germline.

Labcorp Genetics (formerly Invitae), Labcorp
Classification: Uncertain significance for Primary ciliary dyskinesia. Last evaluated: 2018-01-18. Review status: criteria provided, single submitter. Criteria: Invitae Variant Classification Sherloc (09022015). Collection method: clinical testing. Allele origin: germline.
Comment: This sequence change replaces alanine with glycine at codon 131 of the DNAAF5 protein (p.Ala131Gly). The alanine residue is weakly conserved and there is a small physicochemical difference between alanine and glycine. In summary, the available evidence is currently insufficient to determine the role of this variant in disease. Therefore, it has been classified as a Variant of Uncertain Significance. Algorithms developed to predict the effect of missense changes on protein structure and function do not agree on the potential impact of this missense change (SIFT: "Deleterious"; PolyPhen-2: "Benign"; Align-GVGD: "Class C0"). This variant has not been reported in the literature in individuals with DNAAF5-related disease. While this variant is not present in population databases, the frequency information is unreliable, as metrics indicate poor data quality at this position in the ExAC database.

NM_017802.4(DNAAF5):c.392C>G (p.Ala131Gly)

Genes: DNAAF5 (dynein axonemal assembly factor 5; plus strand), PRKAR1B (protein kinase cAMP-dependent type I regulatory subunit beta; minus strand). Cytogenetic location: 7p22.3.
Variant type: single nucleotide variant.
Coding change: c.392C>G on transcript NM_017802.4 (MANE Select); coding-DNA position 392, C replaced by G.
Protein change: p.Ala131Gly; replaces alanine 131 with glycine.
Molecular consequence: missense variant. On other transcripts: non-coding transcript variant (1), intron variant (3).
Genome position (GRCh38, 1-based): chr7:727,112, C>G. VCF-style: chr7-727112-C-G. GRCh37 (hg19) VCF-style: chr7-766749-C-G.
Other names: c.-23+543G>C (NM_001164759.1); c.-23+478G>C (NM_001164758.2); c.-23+98G>C (NM_001164760.2); short protein forms A131G.
Identifiers: ClinVar variation 566676 (VCV000566676.11), dbSNP rs1347850043, ClinGen allele CA366530471.
Genomic context (GRCh38, chr7:727,112, plus strand): 5'-GCGATGCCCTGCCGCGCCTGCTGCCCGCGCTCGCCGCGCGCTTGGCCGGCCCCGTGCCCG[C>G]GCGCCGCCCGCCCGAGGCCTGTGAGGAGCTGCGCCTGGCGCTTGTGCAGCTGCTGGGCCT-3'
Protein context (NP_060272.3, residues 121-141): LAARLAGPVP[Ala131Gly]RRPPEACEEL